The following is an entry in ClinVar:

NC_000015.10:g.84817136dup

Gene: ALPK3 (alpha kinase 3; plus strand). Cytogenetic location: 15q25.3.
Variant type: Duplication.
Genome position: GRCh38 VCF-style: chr15-84817133-T-TC. GRCh37 (hg19) VCF-style: chr15-85360364-T-TC.
Identifiers: ClinVar variation 3604938 (VCV003604938.2).
Genomic context (GRCh38, chr15:84,817,133, plus strand): 5'-GTCCCGGGAGCTCCACGAAGGGGCCTGTCCTCCATGACCAGGACACCCGCTGCGCCTTCC[T>TC]CCCGAGGCCTCCCGGGCCTCTCCAGACGCGGCGCTACTGCAGACACCAGGGCCGCCAAGG-3'

ClinVar aggregate classification (germline): Uncertain significance (1 of 4 stars; one submission).

Submission:

Labcorp Genetics (formerly Invitae), Labcorp
Classification: Uncertain significance. Last evaluated: 2024-12-12. Review status: criteria provided, single submitter. Criteria: Invitae Variant Classification Sherloc (09022015). Collection method: clinical testing. Allele origin: germline.
Comment: This sequence change creates a premature translational stop signal (p.Arg98Glufs*66) in the ALPK3 gene. It is unclear whether it will result in an absent or disrupted protein product because an in-frame methionine located at codon 203 has the potential to rescue this truncating variant. This variant is present in population databases (no rsID available, gnomAD 0.004%). This variant has not been reported in the literature in individuals affected with ALPK3-related conditions. In summary, the available evidence is currently insufficient to determine the role of this variant in disease. Therefore, it has been classified as a Variant of Uncertain Significance.